The following is an entry in ClinVar:

NM_022124.6(CDH23):c.3083C>A (p.Ala1028Glu)

Gene: CDH23 (cadherin related 23; plus strand). Cytogenetic location: 10q22.1.
Variant type: single nucleotide variant.
Coding change: c.3083C>A on transcript NM_022124.6 (MANE Select); coding-DNA position 3083, C replaced by A.
Protein change: p.Ala1028Glu; replaces alanine 1028 with glutamic acid.
Molecular consequence: missense variant.
Genome position (GRCh38, 1-based): chr10:71,707,026, C>A. VCF-style: chr10-71707026-C-A. GRCh37 (hg19) VCF-style: chr10-73466783-C-A.
Other names: c.3083C>A, p.Ala1028Glu (NM_001171930.2, NM_001171931.2); short protein forms A1028E.
Identifiers: ClinVar variation 4540057 (VCV004540057.1).
Genomic context (GRCh38, chr10:71,707,026, plus strand): 5'-TGCCACGCGAGTTCCGGGTGGTCTGGCTGAACTGCACGGACAACGACGTGGGCCTCAATG[C>A]AGAGCTCAGCTACTTCATCACAGGTGCTGCCCCGGCCTCCGCCCACCTGTGCAGGCCTCC-3'
Protein context (NP_071407.4, residues 1018-1038): NCTDNDVGLN[Ala1028Glu]ELSYFITGGN

ClinVar aggregate classification (germline): Uncertain significance (1 of 4 stars; one submission).

gnomAD v4.1: 5 of 1,606,482 alleles (0.00031%); highest among the groups gnomAD compares: South Asian, 0.0011%; no homozygotes.

Submission:

GeneDx
Classification: Uncertain significance. Last evaluated: 2025-06-23. Review status: criteria provided, single submitter. Criteria: GeneDx Variant Classification Process June 2021. Collection method: clinical testing. Allele origin: germline. Affected: yes.
Comment: Not observed at significant frequency in large population cohorts (gnomAD); In silico analysis supports that this missense variant has a deleterious effect on protein structure/function; Has not been previously published as pathogenic or benign to our knowledge